The following is an entry in ClinVar:

NM_018444.4(PDP1):c.1355A>G (p.Lys452Arg)

Gene: PDP1 (pyruvate dehydrogenase phosphatase catalytic subunit 1; plus strand). Cytogenetic location: 8q22.1.
Variant type: single nucleotide variant.
Coding change: c.1355A>G on transcript NM_018444.4 (MANE Select); coding-DNA position 1355, A replaced by G.
Protein change: p.Lys452Arg; replaces lysine 452 with arginine.
Molecular consequence: missense variant.
Genome position (GRCh38, 1-based): chr8:93,923,414, A>G. VCF-style: chr8-93923414-A-G. GRCh37 (hg19) VCF-style: chr8-94935642-A-G.
Other names: c.1430A>G, p.Lys477Arg (NM_001161779.2, NM_001161780.2); c.1355A>G, p.Lys452Arg (NM_001161781.2); short protein forms K477R, K452R.
Identifiers: ClinVar variation 953162 (VCV000953162.11), dbSNP rs749767366, ClinGen allele CA4808813.

ClinVar aggregate classification (germline): Uncertain significance. Review status: criteria provided, multiple submitters, no conflicts (2 of 4 stars). 3 submissions from 3 submitters: Uncertain significance (3). Last evaluated 2025-08-21.

Conditions:
Pyruvate dehydrogenase phosphatase deficiency (PDHPD). Also called: LACTIC ACIDEMIA WITH PYRUVATE DEHYDROGENASE PHOSPHATASE DEFICIENCY. Identifiers: Orphanet 79246, MedGen C1837429, MONDO:0012120, OMIM 608782.

Allele frequency attached by ClinVar (database versions not stated): gnomAD 0.00001 and 0.00002; gnomAD exomes 0.00004; TOPMed 0.00004; ExAC 0.00007.
gnomAD v4.1: 64 of 1,605,574 alleles (0.004%); highest among the groups gnomAD compares: Middle Eastern, 0.033%; no homozygotes.

Submissions (3):

Labcorp Genetics (formerly Invitae), Labcorp
Classification: Uncertain significance. Last evaluated: 2025-08-21. Review status: criteria provided, single submitter. Criteria: Invitae Variant Classification Sherloc (09022015). Collection method: clinical testing. Allele origin: germline.
Comment: This sequence change replaces lysine, which is basic and polar, with arginine, which is basic and polar, at codon 452 of the PDP1 protein (p.Lys452Arg). This variant is present in population databases (rs749767366, gnomAD 0.008%). This variant has not been reported in the literature in individuals affected with PDP1-related conditions. ClinVar contains an entry for this variant (Variation ID: 953162). An algorithm developed to predict the effect of missense changes on protein structure and function (PolyPhen-2) suggests that this variant is likely to be tolerated. In summary, the available evidence is currently insufficient to determine the role of this variant in disease. Therefore, it has been classified as a Variant of Uncertain Significance.

GeneDx
Classification: Uncertain significance. Last evaluated: 2022-04-15. Review status: criteria provided, single submitter. Criteria: GeneDx Variant Classification Process June 2021. Collection method: clinical testing. Allele origin: germline. Affected: yes.
Comment: Not observed at significant frequency in large population cohorts (gnomAD); In silico analysis supports that this missense variant does not alter protein structure/function; Has not been previously published as pathogenic or benign to our knowledge

Revvity Omics, Revvity
Classification: Uncertain significance for Pyruvate dehydrogenase phosphatase deficiency. Last evaluated: 2020-11-16. Review status: criteria provided, single submitter. Criteria: ACMG Guidelines, 2015. Collection method: clinical testing. Allele origin: germline.